The following is an entry in ClinVar:

NM_001101.5(ACTB):c.353_356delinsTGAC (p.Lys118_Met119delinsMetThr)

Gene: ACTB (actin beta; minus strand). Cytogenetic location: 7p22.1.
Variant type: Indel.
Coding change: c.353_356delinsTGAC on transcript NM_001101.5 (MANE Select); coding-DNA positions 353 to 356, AGAT replaced by TGAC.
Protein change: p.Lys118_Met119delinsMetThr.
Molecular consequence: missense variant.
Genome position (GRCh38, 1-based): chr7:5,529,168-5,529,171, ATCT replaced by GTCA on the plus strand (AGAT replaced by TGAC on the coding strand, the reverse complement: ACTB is on the minus strand). VCF-style: chr7-5529168-ATCT-GTCA. GRCh37 (hg19) VCF-style: chr7-5568799-ATCT-GTCA.
Identifiers: ClinVar variation 1253973 (VCV001253973.4), dbSNP rs2128241387, ClinGen allele CA2499218945.

ClinVar aggregate classification (germline): Pathogenic (1 of 4 stars; one submission).

Submission:

GeneDx
Classification: Pathogenic. Last evaluated: 2023-09-20. Review status: criteria provided, single submitter. Criteria: GeneDx Variant Classification Process June 2021. Collection method: clinical testing. Allele origin: germline. Affected: yes.
Comment: Not observed at significant frequency in large population cohorts (gnomAD); In silico analysis supports a deleterious effect on protein structure/function; Has not been previously published as pathogenic or benign to our knowledge